The following is an entry in ClinVar:

ClinVar aggregate classification (germline): Uncertain significance. Review status: criteria provided, multiple submitters, no conflicts (2 of 4 stars). 2 submissions from 2 submitters: Uncertain significance (2). Last evaluated 2024-09-03.

Conditions:
Inborn genetic diseases. Identifiers: MedGen C0950123, MeSH D030342.

Submissions (2):

Ambry Genetics
Classification: Uncertain significance for Inborn genetic diseases. Last evaluated: 2024-09-03. Review status: criteria provided, single submitter. Criteria: Ambry Variant Classification Scheme 2023. Collection method: clinical testing. Allele origin: germline.

Labcorp Genetics (formerly Invitae), Labcorp
Classification: Uncertain significance. Last evaluated: 2024-02-17. Review status: criteria provided, single submitter. Criteria: Invitae Variant Classification Sherloc (09022015). Collection method: clinical testing. Allele origin: germline.
Comment: This sequence change replaces aspartic acid, which is acidic and polar, with asparagine, which is neutral and polar, at codon 611 of the PLOD3 protein (p.Asp611Asn). This variant is not present in population databases (gnomAD no frequency). This variant has not been reported in the literature in individuals affected with PLOD3-related conditions. ClinVar contains an entry for this variant (Variation ID: 1494352). Advanced modeling of protein sequence and biophysical properties (such as structural, functional, and spatial information, amino acid conservation, physicochemical variation, residue mobility, and thermodynamic stability) performed at Invitae indicates that this missense variant is expected to disrupt PLOD3 protein function with a positive predictive value of 80%. In summary, the available evidence is currently insufficient to determine the role of this variant in disease. Therefore, it has been classified as a Variant of Uncertain Significance.

NM_001084.5(PLOD3):c.1831G>A (p.Asp611Asn)

Gene: PLOD3 (procollagen-lysine,2-oxoglutarate 5-dioxygenase 3; minus strand). Cytogenetic location: 7q22.1.
Variant type: single nucleotide variant.
Coding change: c.1831G>A on transcript NM_001084.5 (MANE Select); coding-DNA position 1831, G replaced by A.
Protein change: p.Asp611Asn; replaces aspartic acid 611 with asparagine.
Molecular consequence: missense variant.
Genome position (GRCh38, 1-based): chr7:101,207,682, C>T on the plus strand (G>A on the coding strand, the complement: PLOD3 is on the minus strand). VCF-style: chr7-101207682-C-T. GRCh37 (hg19) VCF-style: chr7-100850963-C-T.
Other names: c.1831G>A (NM_001084.4); short protein forms D611N.
Identifiers: ClinVar variation 1494352 (VCV001494352.9), dbSNP rs2116795453, ClinGen allele CA368611107.